The following is an entry in ClinVar:

NM_021784.5(FOXA2):c.1273C>A (p.Pro425Thr)

Gene: FOXA2 (forkhead box A2; minus strand). Cytogenetic location: 20p11.21.
Variant type: single nucleotide variant.
Coding change: c.1273C>A on transcript NM_021784.5 (MANE Select); coding-DNA position 1273, C replaced by A.
Protein change: p.Pro425Thr; replaces proline 425 with threonine.
Molecular consequence: missense variant.
Genome position (GRCh38, 1-based): chr20:22,581,969, G>T on the plus strand (C>A on the coding strand, the complement: FOXA2 is on the minus strand). VCF-style: chr20-22581969-G-T. GRCh37 (hg19) VCF-style: chr20-22562607-G-T.
Other names: c.1255C>A, p.Pro419Thr (NM_153675.3); short protein forms P425T, P419T.
Identifiers: ClinVar variation 769996 (VCV000769996.13), dbSNP rs149455805, ClinGen allele CA9786882.

ClinVar aggregate classification (germline): Benign. Review status: criteria provided, multiple submitters, no conflicts (2 of 4 stars). 3 submissions from 3 submitters: Benign (2). 1 of the submissions does not count toward it. Last evaluated 2026-01-27.

Conditions:
FOXA2-related disorder. Also called: FOXA2-related condition.

Allele frequency attached by ClinVar (database versions not stated): ESP Exome Variant Server 0.00062; TOPMed 0.00466; ExAC 0.00753; 1000 Genomes Project 30x 0.01202; gnomAD 0.00220; gnomAD exomes 0.00997; 1000 Genomes Project 0.01058.
gnomAD v4.1: 3,966 of 1,613,430 alleles (0.25%); highest among the groups gnomAD compares: Admixed American, 6.1%; 121 homozygotes.

Submissions (3):

Labcorp Genetics (formerly Invitae), Labcorp
Classification: Benign. Last evaluated: 2026-01-27. Review status: criteria provided, single submitter. Criteria: Invitae Variant Classification Sherloc (09022015). Collection method: clinical testing. Allele origin: germline.

Breakthrough Genomics
Classification: Benign. Review status: criteria provided, single submitter. Criteria: ACMG Guidelines, 2015. Collection method: not provided. Allele origin: germline. Inheritance: Unknown mechanism. Affected: yes.

PreventionGenetics, part of Exact Sciences
Classification: Benign for FOXA2-related condition. Last evaluated: 2019-10-18. Review status: no assertion criteria provided. Collection method: clinical testing. Allele origin: germline. Not counted in ClinVar's aggregate classification.
Comment: This variant is classified as benign based on ACMG/AMP sequence variant interpretation guidelines (Richards et al. 2015 PMID: 25741868, with internal and published modifications).